The following is an entry in ClinVar:

NM_000138.5(FBN1):c.1960+6A>T

Gene: FBN1 (fibrillin 1; minus strand). Cytogenetic location: 15q21.1.
Variant type: single nucleotide variant.
Coding change: c.1960+6A>T on transcript NM_000138.5 (MANE Select); 6 bases into the intron after coding-DNA position 1960, A replaced by T.
Molecular consequence: intron variant.
Genome position (GRCh38, 1-based): chr15:48,505,019, T>A on the plus strand (A>T on the coding strand, the complement: FBN1 is on the minus strand). VCF-style: chr15-48505019-T-A. GRCh37 (hg19) VCF-style: chr15-48797216-T-A.
Identifiers: ClinVar variation 1395062 (VCV001395062.6), dbSNP rs1200860234, ClinGen allele CA617839317.
Genomic context (GRCh38, chr15:48,505,019, plus strand): 5'-CATTGGGCTTTATTGAGTGACAGAGGCTGAACCTCTCTCATAAGGTTAGCCATGATGTTT[T>A]CTTACCAACACACACACGGCCATCCAGACCCACAGCCAGTCCAGGGAAGCATTCACATCT-3'

ClinVar aggregate classification (germline): Uncertain significance (1 of 4 stars; one submission).

Conditions:
Marfan syndrome (MFS). Also called: Marfan syndrome type 1; Marfan's syndrome; FBN1-Related Marfan Syndrome; MARFAN SYNDROME, TYPE I; Marfan syndrome, classic. Identifiers: Orphanet 284963, Orphanet 558, MedGen C0024796, MONDO:0007947, OMIM 154700.
Familial thoracic aortic aneurysm and aortic dissection (TAAD). Also called: Thoracic aortic aneurysms and dissections. Identifiers: Orphanet 91387, MedGen C4707243, MONDO:0019625.

Allele frequency attached by ClinVar (database versions not stated): gnomAD exomes below 0.00001.

Submission:

Labcorp Genetics (formerly Invitae), Labcorp
Classification: Uncertain significance for Marfan syndrome; Familial thoracic aortic aneurysm and aortic dissection. Last evaluated: 2024-03-16. Review status: criteria provided, single submitter. Criteria: Invitae Variant Classification Sherloc (09022015). Collection method: clinical testing. Allele origin: germline.
Comment: This sequence change falls in intron 16 of the FBN1 gene. It does not directly change the encoded amino acid sequence of the FBN1 protein. It affects a nucleotide within the consensus splice site. This variant is present in population databases (no rsID available, gnomAD 0.006%). This variant has not been reported in the literature in individuals affected with FBN1-related conditions. ClinVar contains an entry for this variant (Variation ID: 1395062). Variants that disrupt the consensus splice site are a relatively common cause of aberrant splicing (PMID: 17576681, 9536098). Algorithms developed to predict the effect of sequence changes on RNA splicing suggest that this variant is not likely to affect RNA splicing. In summary, the available evidence is currently insufficient to determine the role of this variant in disease. Therefore, it has been classified as a Variant of Uncertain Significance.

Literature cited by the submitters: PubMed 17576681; PubMed 9536098.